The following is an entry in ClinVar:

ClinVar aggregate classification (germline): Uncertain significance (1 of 4 stars; one submission).

Submission:

Labcorp Genetics (formerly Invitae), Labcorp
Classification: Uncertain significance. Last evaluated: 2023-09-27. Review status: criteria provided, single submitter. Criteria: Invitae Variant Classification Sherloc (09022015). Collection method: clinical testing. Allele origin: germline.
Comment: In summary, the available evidence is currently insufficient to determine the role of this variant in disease. Therefore, it has been classified as a Variant of Uncertain Significance. An algorithm developed to predict the effect of missense changes on protein structure and function (PolyPhen-2) suggests that this variant is likely to be tolerated. This variant has not been reported in the literature in individuals affected with IL6ST-related conditions. This variant is not present in population databases (gnomAD no frequency). This sequence change replaces valine, which is neutral and non-polar, with alanine, which is neutral and non-polar, at codon 38 of the IL6ST protein (p.Val38Ala).

NM_002184.4(IL6ST):c.113T>C (p.Val38Ala)

Gene: IL6ST (interleukin 6 cytokine family signal transducer; minus strand). Cytogenetic location: 5q11.2.
Variant type: single nucleotide variant.
Coding change: c.113T>C on transcript NM_002184.4 (MANE Select); coding-DNA position 113, T replaced by C.
Protein change: p.Val38Ala; replaces valine 38 with alanine.
Molecular consequence: missense variant. On other transcripts: 5 prime UTR variant (3), non-coding transcript variant (2).
Genome position (GRCh38, 1-based): chr5:55,969,807, A>G on the plus strand (T>C on the coding strand, the complement: IL6ST is on the minus strand). VCF-style: chr5-55969807-A-G. GRCh37 (hg19) VCF-style: chr5-55265635-A-G.
Other names: c.113T>C, p.Val38Ala (NM_001190981.2, NM_001364275.2, NM_001364276.2 and 1 more transcripts); c.-680T>C (NM_001364277.2, NM_001364279.2); c.-670T>C (NM_001364278.2); short protein forms V38A.
Identifiers: ClinVar variation 2763961 (VCV002763961.3), dbSNP rs2533573877, ClinGen allele CA359770962.
Genomic context (GRCh38, chr5:55,969,807, plus strand): 5'-AAATAATCCATACATTTTTCCTTTAGCACACAAACTGCAGTGAAATTAGAATGAAGTTGT[A>G]CAACTGGAGATTCAGGACTGATATAACCACATGGATCTAGAAGTTCACCTAAAAAGGAAC-3'
Protein context (NP_002175.2, residues 28-48): CGYISPESPV[Val38Ala]QLHSNFTAVC